The following is an entry in ClinVar:

NM_015466.4(PTPN23):c.3996C>T (p.Arg1332=)

Gene: PTPN23 (protein tyrosine phosphatase non-receptor type 23; plus strand). Cytogenetic location: 3p21.31.
Variant type: single nucleotide variant.
Coding change: c.3996C>T on transcript NM_015466.4 (MANE Select); coding-DNA position 3996, C replaced by T.
Protein change: p.Arg1332=; no amino-acid change (arginine 1332 retained).
Molecular consequence: synonymous variant.
Genome position (GRCh38, 1-based): chr3:47,411,890, C>T. VCF-style: chr3-47411890-C-T. GRCh37 (hg19) VCF-style: chr3-47453380-C-T.
Other names: c.3618C>T, p.Arg1206= (NM_001304482.2).
Identifiers: ClinVar variation 3020293 (VCV003020293.9), dbSNP rs765250574, ClinGen allele CA2366421.
Genomic context (GRCh38, chr3:47,411,890, plus strand): 5'-GCACGGTGCCCTGAGCCTGGCATTGAGCAGCGTCCGCAGCACCGAAACCCATGTGGAGCG[C>T]GTGCTGAGCCTGCAGTTCCGAGACCAGAGCCTCAAGCGCTCTCTTGTGCACCTGCACTTC-3'
Protein context (NP_056281.1, residues 1322-1342): SVRSTETHVE[Arg1332=]VLSLQFRDQS

ClinVar aggregate classification (germline): Likely benign. Review status: criteria provided, multiple submitters, no conflicts (2 of 4 stars). 2 submissions from 2 submitters: Likely benign (2). Last evaluated 2025-11-01.

Allele frequency attached by ClinVar (database versions not stated): gnomAD 0.00001; ExAC 0.00002; TOPMed 0.00002.
gnomAD v4.1: 19 of 1,613,346 alleles (0.0012%); highest among the groups gnomAD compares: Non-Finnish European, 0.0015%; no homozygotes.

Submissions (2):

CeGaT Center for Human Genetics Tuebingen
Classification: Likely benign. Last evaluated: 2025-11-01. Review status: criteria provided, single submitter. Criteria: CeGaT Center For Human Genetics Tuebingen Variant Classification Criteria Version 2. Collection method: clinical testing. Allele origin: germline. Affected: yes. Observed: 1 variant allele.
Comment: PTPN23: BP4, BP7

Labcorp Genetics (formerly Invitae), Labcorp
Classification: Likely benign. Last evaluated: 2024-05-29. Review status: criteria provided, single submitter. Criteria: Invitae Variant Classification Sherloc (09022015). Collection method: clinical testing. Allele origin: germline.